The following is an entry in ClinVar:

ClinVar aggregate classification (germline): Uncertain significance (1 of 4 stars; one submission).

Allele frequency attached by ClinVar (database versions not stated): gnomAD exomes below 0.00001; ExAC 0.00002.
gnomAD v4.1: 7 of 1,613,998 alleles (0.00043%); highest among the groups gnomAD compares: Admixed American, 0.0033%; no homozygotes.

Submission:

Labcorp Genetics (formerly Invitae), Labcorp
Classification: Uncertain significance. Last evaluated: 2024-10-30. Review status: criteria provided, single submitter. Criteria: Invitae Variant Classification Sherloc (09022015). Collection method: clinical testing. Allele origin: germline.
Comment: This sequence change replaces arginine, which is basic and polar, with glutamine, which is neutral and polar, at codon 373 of the LRP5 protein (p.Arg373Gln). This variant is present in population databases (rs757644956, gnomAD 0.01%). This variant has not been reported in the literature in individuals affected with LRP5-related conditions. ClinVar contains an entry for this variant (Variation ID: 2101968). Invitae Evidence Modeling of protein sequence and biophysical properties (such as structural, functional, and spatial information, amino acid conservation, physicochemical variation, residue mobility, and thermodynamic stability) has been performed for this missense variant. However, the output from this modeling did not meet the statistical confidence thresholds required to predict the impact of this variant on LRP5 protein function. In summary, the available evidence is currently insufficient to determine the role of this variant in disease. Therefore, it has been classified as a Variant of Uncertain Significance.

NM_002335.4(LRP5):c.1118G>A (p.Arg373Gln)

Gene: LRP5 (LDL receptor related protein 5; plus strand). Cytogenetic location: 11q13.2.
Variant type: single nucleotide variant.
Coding change: c.1118G>A on transcript NM_002335.4 (MANE Select); coding-DNA position 1118, G replaced by A.
Protein change: p.Arg373Gln; replaces arginine 373 with glutamine.
Molecular consequence: missense variant. On other transcripts: 5 prime UTR variant (1).
Genome position (GRCh38, 1-based): chr11:68,386,418, G>A. VCF-style: chr11-68386418-G-A. GRCh37 (hg19) VCF-style: chr11-68153886-G-A.
Other names: c.-648G>A (NM_001291902.2); short protein forms R373Q.
Identifiers: ClinVar variation 2101968 (VCV002101968.4), dbSNP rs757644956, ClinGen allele CA6149252.
Genomic context (GRCh38, chr11:68,386,418, plus strand): 5'-GGAGGATCTCGCTGGACACGCCGGACTTCACCGACATCGTGCTGCAGGTGGACGACATCC[G>A]GCACGCCATTGCCATCGACTACGACCCGCTAGAGGGCTATGTCTACTGGACAGATGACGA-3'
Protein context (NP_002326.2, residues 363-383): TDIVLQVDDI[Arg373Gln]HAIAIDYDPL